The following is an entry in ClinVar:

NM_001080421.3(UNC13A):c.732C>G (p.His244Gln)

Gene: UNC13A (unc-13 homolog A; minus strand). Cytogenetic location: 19p13.11.
Variant type: single nucleotide variant.
Coding change: c.732C>G on transcript NM_001080421.3 (MANE Select); coding-DNA position 732, C replaced by G.
Protein change: p.His244Gln; replaces histidine 244 with glutamine.
Molecular consequence: missense variant.
Genome position (GRCh38, 1-based): chr19:17,658,097, G>C on the plus strand (C>G on the coding strand, the complement: UNC13A is on the minus strand). VCF-style: chr19-17658097-G-C. GRCh37 (hg19) VCF-style: chr19-17768906-G-C.
Other names: c.732C>G, p.His244Gln (NM_001387021.1, NM_001387022.1, NM_001387023.1); short protein forms H244Q.
Identifiers: ClinVar variation 5009499 (VCV005009499.1).

ClinVar aggregate classification (germline): Uncertain significance (1 of 4 stars; one submission).

Submission:

GeneDx
Classification: Uncertain significance. Last evaluated: 2026-03-19. Review status: criteria provided, single submitter. Criteria: GeneDx Variant Classification Process June 2021. Collection method: clinical testing. Allele origin: germline.
Comment: Not observed at significant frequency in large population cohorts (gnomAD); In silico analysis suggests that this missense variant does not alter protein structure/function; Has not been previously published as pathogenic or benign to our knowledge